The following is an entry in ClinVar:

ClinVar aggregate classification (germline): Likely benign. Review status: criteria provided, multiple submitters, no conflicts (2 of 4 stars). 4 submissions from 4 submitters: Likely benign (4). Last evaluated 2025-12-06.

Conditions:
Hereditary nonpolyposis colorectal neoplasms. Identifiers: MedGen C0009405, MeSH D003123.
Hereditary cancer-predisposing syndrome. Also called: Neoplastic Syndromes, Hereditary; Hereditary neoplastic syndrome; Tumor predisposition; Hereditary Cancer Syndrome. Identifiers: Orphanet 140162, MedGen C0027672, MeSH D009386, MONDO:0015356.
Lynch syndrome 4 (LYNCH4). Also called: Hereditary non-polyposis colorectal cancer, type 4; Colorectal cancer, hereditary nonpolyposis, type 4. Identifiers: Orphanet 144, MedGen C1838333, MONDO:0013699, OMIM 614337. Disease mechanism: loss of function.

Allele frequency attached by ClinVar (database versions not stated): gnomAD 0.00001; TOPMed 0.00001.
gnomAD v4.1: 2 of 1,401,986 alleles (0.00014%); highest among the groups gnomAD compares: Non-Finnish European, 0.0002%; no homozygotes.

Submissions (4):

Labcorp Genetics (formerly Invitae), Labcorp
Classification: Likely benign for Hereditary nonpolyposis colorectal neoplasms. Last evaluated: 2025-12-06. Review status: criteria provided, single submitter. Criteria: Invitae Variant Classification Sherloc (09022015). Collection method: clinical testing. Allele origin: germline.

Color Diagnostics, LLC DBA Color Health
Classification: Likely benign for Hereditary cancer-predisposing syndrome. Last evaluated: 2025-08-04. Review status: criteria provided, single submitter. Criteria: ACMG Guidelines, 2015. Collection method: clinical testing. Allele origin: germline.

Myriad Genetics, Inc.
Classification: Likely benign for Lynch syndrome 4. Last evaluated: 2025-02-03. Review status: criteria provided, single submitter. Criteria: Myriad Autosomal Dominant, Autosomal Recessive and X-Linked Classification Criteria (2023). Collection method: clinical testing. Allele origin: unknown.
Comment: This variant is considered likely benign. This variant is intronic and is not expected to impact mRNA splicing.

ARUP Laboratories, Molecular Genetics and Genomics, ARUP Laboratories
Classification: Likely benign. Last evaluated: 2024-11-25. Review status: criteria provided, single submitter. Criteria: ARUP Molecular Germline Variant Investigation Process 2024. Collection method: clinical testing. Allele origin: germline.

NM_000535.7(PMS2):c.2007-10C>T

Gene: PMS2 (PMS1 homolog 2, mismatch repair system component; minus strand). Cytogenetic location: 7p22.1.
Variant type: single nucleotide variant.
Coding change: c.2007-10C>T on transcript NM_000535.7 (MANE Select); 10 bases into the intron before coding-DNA position 2007, C replaced by T.
Molecular consequence: intron variant.
Genome position (GRCh38, 1-based): chr7:5,983,001, G>A on the plus strand (C>T on the coding strand, the complement: PMS2 is on the minus strand). VCF-style: chr7-5983001-G-A. GRCh37 (hg19) VCF-style: chr7-6022632-G-A.
Other names: c.1689-10C>T (NM_001322008.2, NM_001322007.2); c.1446-10C>T (NM_001322010.2); c.1602-10C>T (NM_001322004.2, NM_001322003.2, NM_001322009.2 and 1 more transcripts); c.1434-10C>T (NM_001322013.2); c.1074-10C>T (NM_001322012.2, NM_001322011.2); c.1698-10C>T (NM_001322015.2); c.1851-10C>T (NM_001322006.2); c.2007-10C>T (NM_001322014.2).
Identifiers: ClinVar variation 237898 (VCV000237898.13), dbSNP rs878854042, ClinGen allele CA10582501.
Genomic context (GRCh38, chr7:5,983,001, plus strand): 5'-AATCCCAGGTTAAACTGACCAATGATTTCCATTTCTGCAAACATCGTTTTACTGCAGGTA[G>A]AAAATGTTAATTATCAGACATTTTACAAGATTATTTTTCTGATTATGTTATAGAACACTG-3'